The following is an entry in ClinVar:

NM_004174.4(SLC9A3):c.862G>A (p.Gly288Ser)

Gene: SLC9A3 (solute carrier family 9 member A3). Cytogenetic location: 5p15.33.
Variant type: single nucleotide variant.
Coding change: c.862G>A on transcript NM_004174.4 (MANE Select); coding-DNA position 862, G replaced by A.
Protein change: p.Gly288Ser; replaces glycine 288 with serine.
Molecular consequence: missense variant.
Genome position (GRCh38, 1-based): chr5:484,590, C>T on the plus strand (G>A on the coding strand, the complement: SLC9A3 is on the minus strand). VCF-style: chr5-484590-C-T. GRCh37 (hg19) VCF-style: chr5-484705-C-T.
Other names: c.862G>A, p.Gly288Ser (NM_001284351.3); short protein forms G288S.
Identifiers: ClinVar variation 4753920 (VCV004753920.1).

ClinVar aggregate classification (germline): Uncertain significance (1 of 4 stars; one submission).

gnomAD v4.1: 150 of 1,613,232 alleles (0.0093%); highest among the groups gnomAD compares: African/African-American, 0.016%; no homozygotes.

Submission:

Labcorp Genetics (formerly Invitae), Labcorp
Classification: Uncertain significance. Last evaluated: 2026-01-12. Review status: criteria provided, single submitter. Criteria: Invitae Variant Classification Sherloc (09022015). Collection method: clinical testing. Allele origin: germline.
Comment: This sequence change replaces glycine, which is neutral and non-polar, with serine, which is neutral and polar, at codon 288 of the SLC9A3 protein (p.Gly288Ser). This variant is present in population databases (rs139989045, gnomAD 0.02%). This variant has not been reported in the literature in individuals affected with SLC9A3-related conditions. Invitae Evidence Modeling of protein sequence and biophysical properties (such as structural, functional, and spatial information, amino acid conservation, physicochemical variation, residue mobility, and thermodynamic stability) indicates that this missense variant is not expected to disrupt SLC9A3 protein function with a negative predictive value of 80%. In summary, the available evidence is currently insufficient to determine the role of this variant in disease. Therefore, it has been classified as a Variant of Uncertain Significance.